The following is an entry in ClinVar:

NM_004446.3(EPRS1):c.79G>A (p.Asp27Asn)

Gene: EPRS1 (glutamyl-prolyl-tRNA synthetase 1; minus strand). Cytogenetic location: 1q41.
Variant type: single nucleotide variant.
Coding change: c.79G>A on transcript NM_004446.3 (MANE Select); coding-DNA position 79, G replaced by A.
Protein change: p.Asp27Asn; replaces aspartic acid 27 with asparagine.
Molecular consequence: missense variant.
Genome position (GRCh38, 1-based): chr1:220,040,237, C>T on the plus strand (G>A on the coding strand, the complement: EPRS1 is on the minus strand). VCF-style: chr1-220040237-C-T. GRCh37 (hg19) VCF-style: chr1-220213579-C-T.
Other names: c.79G>A (NM_004446.2); short protein forms D27N.
Identifiers: ClinVar variation 1681019 (VCV001681019.9), dbSNP rs199544775, ClinGen allele CA1400641.

ClinVar aggregate classification (germline): Conflicting classifications of pathogenicity. Review status: criteria provided, conflicting classifications (1 of 4 stars). 2 submissions from 2 submitters: Uncertain significance (1); Likely benign (1). Last evaluated 2021-10-29.

Conditions:
Inborn genetic diseases. Identifiers: MedGen C0950123, MeSH D030342.

Allele frequency attached by ClinVar (database versions not stated): gnomAD 0.00001 and 0.00003; gnomAD exomes 0.00006; ExAC 0.00007.
gnomAD v4.1: 89 of 1,609,176 alleles (0.0055%); highest among the groups gnomAD compares: East Asian, 0.17%; 1 homozygote.

Submissions (2):

Ambry Genetics
Classification: Likely benign for Inborn genetic diseases. Last evaluated: 2021-10-29. Review status: criteria provided, single submitter. Criteria: Ambry Variant Classification Scheme 2023. Collection method: clinical testing. Allele origin: germline.

Labcorp Genetics (formerly Invitae), Labcorp
Classification: Uncertain significance. Last evaluated: 2021-02-10. Review status: criteria provided, single submitter. Criteria: Invitae Variant Classification Sherloc (09022015). Collection method: clinical testing. Allele origin: germline.
Comment: In summary, the available evidence is currently insufficient to determine the role of this variant in disease. Therefore, it has been classified as a Variant of Uncertain Significance. Algorithms developed to predict the effect of missense changes on protein structure and function output the following: SIFT: "Tolerated"; PolyPhen-2: "Benign"; Align-GVGD: "Class C0". The asparagine amino acid residue is found in multiple mammalian species, suggesting that this missense change does not adversely affect protein function. These predictions have not been confirmed by published functional studies and their clinical significance is uncertain. This variant has not been reported in the literature in individuals with EPRS-related conditions. This variant is present in population databases (rs199544775, ExAC 0.08%). This sequence change replaces aspartic acid with asparagine at codon 27 of the EPRS protein (p.Asp27Asn). The aspartic acid residue is weakly conserved and there is a small physicochemical difference between aspartic acid and asparagine.